The following is an entry in ClinVar:

NM_004930.5(CAPZB):c.492C>T (p.Thr164=)

Gene: CAPZB (capping actin protein of muscle Z-line subunit beta; minus strand). Cytogenetic location: 1p36.13.
Variant type: single nucleotide variant.
Coding change: c.492C>T on transcript NM_004930.5 (MANE Select); coding-DNA position 492, C replaced by T.
Protein change: p.Thr164=; no amino-acid change (threonine 164 retained).
Molecular consequence: synonymous variant.
Genome position (GRCh38, 1-based): chr1:19,356,731, G>A on the plus strand (C>T on the coding strand, the complement: CAPZB is on the minus strand). VCF-style: chr1-19356731-G-A. GRCh37 (hg19) VCF-style: chr1-19683225-G-A.
Other names: c.492C>T, p.Thr164= (NM_001206540.3); c.570C>T, p.Thr190= (NM_001206541.3); c.579C>T, p.Thr193= (NM_001282162.2).
Identifiers: ClinVar variation 2638431 (VCV002638431.24), dbSNP rs373170769, ClinGen allele CA655315.

ClinVar aggregate classification (germline): Likely benign (1 of 4 stars; one submission).

Allele frequency attached by ClinVar (database versions not stated): TOPMed 0.00040; ExAC 0.00106; 1000 Genomes Project 0.00120; gnomAD 0.00046; ESP Exome Variant Server 0.00072; 1000 Genomes Project 30x 0.00094.
gnomAD v4.1: 1,031 of 1,613,552 alleles (0.064%); highest among the groups gnomAD compares: South Asian, 0.49%; 9 homozygotes.

Submission:

CeGaT Center for Human Genetics Tuebingen
Classification: Likely benign. Last evaluated: 2023-01-01. Review status: criteria provided, single submitter. Criteria: CeGaT Center For Human Genetics Tuebingen Variant Classification Criteria Version 2. Collection method: clinical testing. Allele origin: germline. Affected: yes. Observed: 1 variant allele.
Comment: CAPZB: BP4, BP7